The following is an entry in ClinVar:

ClinVar aggregate classification (germline): Likely pathogenic (1 of 4 stars; one submission).

Allele frequency attached by ClinVar (database versions not stated): gnomAD exomes below 0.00001.

Submission:

Labcorp Genetics (formerly Invitae), Labcorp
Classification: Likely pathogenic. Last evaluated: 2020-10-22. Review status: criteria provided, single submitter. Criteria: Invitae Variant Classification Sherloc (09022015). Collection method: clinical testing. Allele origin: germline.
Comment: This sequence change affects an acceptor splice site in intron 2 of the LHX3 gene. It is expected to disrupt RNA splicing and likely results in an absent or disrupted protein product. This variant is not present in population databases (ExAC no frequency). In summary, the currently available evidence indicates that the variant is pathogenic, but additional data are needed to prove that conclusively. Therefore, this variant has been classified as Likely Pathogenic. Donor and acceptor splice site variants typically lead to a loss of protein function (PMID: 16199547), and loss-of-function variants in LHX3 are known to be pathogenic (PMID: 16394081, 18407919). Algorithms developed to predict the effect of sequence changes on RNA splicing suggest that this variant may disrupt the consensus splice site, but this prediction has not been confirmed by published transcriptional studies. This variant has not been reported in the literature in individuals with LHX3-related conditions.

Literature cited by the submitters: PubMed 16199547; PubMed 16394081; PubMed 18407919.

NM_178138.6(LHX3):c.252-1G>A

Gene: LHX3 (LIM homeobox 3; minus strand). Cytogenetic location: 9q34.3.
Variant type: single nucleotide variant.
Coding change: c.252-1G>A on transcript NM_178138.6 (MANE Select); the canonical splice acceptor site of the intron before coding-DNA position 252, G replaced by A.
Molecular consequence: splice acceptor variant.
Genome position (GRCh38, 1-based): chr9:136,199,881, C>T on the plus strand (G>A on the coding strand, the complement: LHX3 is on the minus strand). VCF-style: chr9-136199881-C-T. GRCh37 (hg19) VCF-style: chr9-139091727-C-T.
Other names: c.267-1G>A (NM_014564.5); c.219-1G>A (NM_001363746.1).
Identifiers: ClinVar variation 949005 (VCV000949005.8), dbSNP rs1831596883, ClinGen allele CA375520309.
Genomic context (GRCh38, chr9:136,199,881, plus strand): 5'-CGCACCACCTGCGTGGGCGGGATGCCCAGCTGGCACGCGGCGCACTTGGTCCCGAAGCGC[C>T]TGCGGGACGCACAGGGCCGGGCTCAGCGCGGAAGCGCGAGGCTCATTTCGCCCCGAGCGG-3'